The following is an entry in ClinVar:

ClinVar aggregate classification (germline): Likely benign (0 of 4 stars; one submission).

Conditions:
NCOA1-related disorder. Also called: NCOA1-related condition.

gnomAD v4.1: 1 of 1,613,748 alleles (0.000062%); highest among the groups gnomAD compares: East Asian, 0.0022%; no homozygotes.

Submission:

PreventionGenetics, part of Exact Sciences
Classification: Likely benign for NCOA1-related condition. Last evaluated: 2024-09-20. Review status: no assertion criteria provided. Collection method: clinical testing. Allele origin: germline.
Comment: This variant is classified as likely benign based on ACMG/AMP sequence variant interpretation guidelines (Richards et al. 2015 PMID: 25741868, with internal and published modifications).

NM_003743.5(NCOA1):c.89+3A>G

Gene: NCOA1 (nuclear receptor coactivator 1; plus strand). Cytogenetic location: 2p23.3.
Variant type: single nucleotide variant.
Coding change: c.89+3A>G on transcript NM_003743.5 (MANE Select); 3 bases into the intron after coding-DNA position 89, A replaced by G.
Molecular consequence: intron variant.
Genome position (GRCh38, 1-based): chr2:24,658,769, A>G. VCF-style: chr2-24658769-A-G. GRCh37 (hg19) VCF-style: chr2-24881638-A-G.
Other names: c.89+3A>G (NM_001362950.1, NM_147223.3, NM_001362955.1 and 3 more transcripts).
Identifiers: ClinVar variation 3354522 (VCV003354522.1).
Genomic context (GRCh38, chr2:24,658,769, plus strand): 5'-CTGCTAACCCAGACTCACATAAGAGGAAAGGATCGCCATGTGACACACTGGCATCAAGGT[A>G]GGAACACTCCTCTTAGTCTATTTTTGGCAGAGCTGCTTTATTACTTTCACTGCCACTTCA-3'